The following is an entry in ClinVar:

NM_201384.3(PLEC):c.5320G>A (p.Ala1774Thr)

Gene: PLEC (plectin; minus strand). Cytogenetic location: 8q24.3.
Variant type: single nucleotide variant.
Coding change: c.5320G>A on transcript NM_201384.3 (MANE Select); coding-DNA position 5320, G replaced by A.
Protein change: p.Ala1774Thr; replaces alanine 1774 with threonine.
Molecular consequence: missense variant.
Genome position (GRCh38, 1-based): chr8:143,924,609, C>T on the plus strand (G>A on the coding strand, the complement: PLEC is on the minus strand). VCF-style: chr8-143924609-C-T. GRCh37 (hg19) VCF-style: chr8-144998777-C-T.
Other names: c.5320G>A, p.Ala1774Thr (NM_201382.4); c.5332G>A, p.Ala1778Thr (NM_201383.3); c.5401G>A (NM_000445.4); c.5401G>A, p.Ala1801Thr (NM_000445.5); c.5278G>A, p.Ala1760Thr (NM_201378.4); c.5254G>A, p.Ala1752Thr (NM_201379.3); c.5731G>A, p.Ala1911Thr (NM_201380.4); c.5224G>A, p.Ala1742Thr (NM_201381.3); short protein forms A1774T, A1778T, A1911T, A1752T, A1760T, A1742T, A1801T.
Identifiers: ClinVar variation 1523186 (VCV001523186.9), dbSNP rs1586914028, ClinGen allele CA372546191.

ClinVar aggregate classification (germline): Uncertain significance. Review status: criteria provided, multiple submitters, no conflicts (2 of 4 stars). 2 submissions from 2 submitters: Uncertain significance (2). Last evaluated 2026-01-22.

Conditions:
Epidermolysis bullosa simplex, Ogna type (EBS5A). Also called: Pidermolysis bullosa simplex 5A, Ogna type; EPIDERMOLYSIS BULLOSA SIMPLEX 5A, OGNA TYPE. Identifiers: Orphanet 79401, MedGen C0432317, MONDO:0007555, OMIM 131950.
Epidermolysis bullosa simplex with nail dystrophy (EBS5D). Identifiers: MedGen C4225309, MONDO:0014661, OMIM 616487.
Autosomal recessive limb-girdle muscular dystrophy type 2Q (LGMDR17). Also called: MUSCULAR DYSTROPHY, LIMB-GIRDLE, AUTOSOMAL RECESSIVE 17. Identifiers: Orphanet 254361, MedGen C3150989, MONDO:0013390, OMIM 613723.
Epidermolysis bullosa simplex 5B, with muscular dystrophy (EBS5B). Also called: EPIDERMOLYSIS BULLOSA SIMPLEX AND LIMB-GIRDLE MUSCULAR DYSTROPHY; Epidermolysis bullosa simplex with muscular dystrophy. Identifiers: Orphanet 257, MedGen C2931072, MONDO:0009181, OMIM 226670.
Epidermolysis bullosa simplex 5C, with pyloric atresia (EBS5C). Also called: Epidermolysis bullosa simplex with pyloric atresia; PLEC1-Related Epidermolysis Bullosa with Pyloric Atresia; PLEC-Related Epidermolysis Bullosa with Pyloric Atresia. Identifiers: Orphanet 158684, MedGen C2677349, MONDO:0012807, OMIM 612138.
PLEC-related disorder. Also called: PLEC-related condition; PLEC-related disorders.

Allele frequency attached by ClinVar (database versions not stated): TOPMed below 0.00001.

Submissions (2):

PreventionGenetics, part of Exact Sciences
Classification: Uncertain significance for PLEC-related condition. Last evaluated: 2026-01-22. Review status: criteria provided, single submitter. Criteria: ACMG Guidelines, 2015. Collection method: clinical testing. Allele origin: germline.
Comment: The PLEC c.5401G>A variant is predicted to result in the amino acid substitution p.Ala1801Thr. To our knowledge, this variant has not been reported in the literature or in a large population database (gnomAD), indicating this variant is rare. At this time, the clinical significance of this variant is uncertain due to the absence of conclusive functional and genetic evidence.

Labcorp Genetics (formerly Invitae), Labcorp
Classification: Uncertain significance for Autosomal recessive limb-girdle muscular dystrophy type 2Q; Epidermolysis bullosa simplex, Ogna type; Epidermolysis bullosa simplex with nail dystrophy; Epidermolysis bullosa simplex 5C, with pyloric atresia; Epidermolysis bullosa simplex 5B, with muscular dystrophy. Last evaluated: 2022-02-24. Review status: criteria provided, single submitter. Criteria: Invitae Variant Classification Sherloc (09022015). Collection method: clinical testing. Allele origin: germline.
Comment: In summary, the available evidence is currently insufficient to determine the role of this variant in disease. Therefore, it has been classified as a Variant of Uncertain Significance. Algorithms developed to predict the effect of missense changes on protein structure and function output the following: SIFT: "Deleterious"; PolyPhen-2: "Not Available"; Align-GVGD: "Class C55". The threonine amino acid residue is found in multiple mammalian species, which suggests that this missense change does not adversely affect protein function. This variant has not been reported in the literature in individuals affected with PLEC-related conditions. This variant is not present in population databases (gnomAD no frequency). This sequence change replaces alanine, which is neutral and non-polar, with threonine, which is neutral and polar, at codon 1801 of the PLEC protein (p.Ala1801Thr).